The following is an entry in ClinVar:

ClinVar aggregate classification (germline): Likely benign. Review status: criteria provided, multiple submitters, no conflicts (2 of 4 stars). 2 submissions from 2 submitters: Likely benign (2). Last evaluated 2022-10-26.

Conditions:
Congenital muscular dystrophy due to integrin alpha-7 deficiency. Also called: MYOPATHY, CONGENITAL, DUE TO INTEGRIN ALPHA-7 DEFICIENCY; Congenital muscular dystrophy with integrin alpha-7 deficiency; Muscular dystrophy, congenital, due to ITGA7 deficiency. Identifiers: Orphanet 34520, MedGen C2750786, MONDO:0013177, OMIM 613204.

Allele frequency attached by ClinVar (database versions not stated): TOPMed 0.00001.
gnomAD v4.1: 12 of 1,612,270 alleles (0.00074%); highest among the groups gnomAD compares: African/African-American, 0.0013%; no homozygotes.

Submissions (2):

Labcorp Genetics (formerly Invitae), Labcorp
Classification: Likely benign for Congenital muscular dystrophy due to integrin alpha-7 deficiency. Last evaluated: 2022-10-26. Review status: criteria provided, single submitter. Criteria: Invitae Variant Classification Sherloc (09022015). Collection method: clinical testing. Allele origin: germline.

GeneDx
Classification: Likely benign. Last evaluated: 2016-09-30. Review status: criteria provided, single submitter. Criteria: GeneDx Variant Classification (06012015). Collection method: clinical testing. Allele origin: germline. Affected: yes.
Comment: This variant is considered likely benign or benign based on one or more of the following criteria: it is a conservative change, it occurs at a poorly conserved position in the protein, it is predicted to be benign by multiple in silico algorithms, and/or has population frequency not consistent with disease.

NM_002206.3(ITGA7):c.1505+14G>C

Gene: ITGA7 (integrin subunit alpha 7; minus strand). Cytogenetic location: 12q13.2.
Variant type: single nucleotide variant.
Coding change: c.1505+14G>C on transcript NM_002206.3 (MANE Select); 14 bases into the intron after coding-DNA position 1505, G replaced by C.
Molecular consequence: intron variant.
Genome position (GRCh38, 1-based): chr12:55,697,437, C>G on the plus strand (G>C on the coding strand, the complement: ITGA7 is on the minus strand). VCF-style: chr12-55697437-C-G. GRCh37 (hg19) VCF-style: chr12-56091221-C-G.
Other names: c.1226+14G>C (NM_001144997.2); c.1178+14G>C (NM_001367993.1); c.1166+14G>C (NM_001414035.1); c.1322+14G>C (NM_001414033.1); c.161+14G>C (NM_001367994.1); c.1385+14G>C (NM_001414032.1); c.1418+14G>C (NM_001414031.1); c.1505+14G>C (NM_001374465.1, NM_001414034.1); and 3 more.
Identifiers: ClinVar variation 389440 (VCV000389440.6), dbSNP rs940004287, ClinGen allele CA16606663.